The following is an entry in ClinVar:

NM_002880.4(RAF1):c.427C>G (p.Arg143Gly)

Gene: RAF1 (Raf-1 proto-oncogene, serine/threonine kinase; minus strand). Cytogenetic location: 3p25.2.
Variant type: single nucleotide variant.
Coding change: c.427C>G on transcript NM_002880.4 (MANE Select); coding-DNA position 427, C replaced by G.
Protein change: p.Arg143Gly; replaces arginine 143 with glycine.
Molecular consequence: missense variant. On other transcripts: non-coding transcript variant (3).
Genome position (GRCh38, 1-based): chr3:12,608,920, G>C on the plus strand (C>G on the coding strand, the complement: RAF1 is on the minus strand). VCF-style: chr3-12608920-G-C. GRCh37 (hg19) VCF-style: chr3-12650419-G-C.
Other names: c.427C>G, p.Arg143Gly (NM_001354689.3, NM_001354690.3, NM_001354693.3); c.184C>G, p.Arg62Gly (NM_001354691.3, NM_001354692.3, NM_001354694.3 and 1 more transcripts); short protein forms R62G, R143G.
Identifiers: ClinVar variation 1976498 (VCV001976498.5), dbSNP rs2059123054, ClinGen allele CA351517823.

ClinVar aggregate classification (germline): Uncertain significance (1 of 4 stars; one submission).

Conditions:
RASopathy. Also called: rasopathies; Noonan spectrum disorder. Identifiers: Orphanet 536391, MedGen C5555857, MONDO:0021060.

Submission:

Labcorp Genetics (formerly Invitae), Labcorp
Classification: Uncertain significance for RASopathy. Last evaluated: 2022-05-16. Review status: criteria provided, single submitter. Criteria: Invitae Variant Classification Sherloc (09022015). Collection method: clinical testing. Allele origin: germline.
Comment: This sequence change replaces arginine, which is basic and polar, with glycine, which is neutral and non-polar, at codon 143 of the RAF1 protein (p.Arg143Gly). This variant is not present in population databases (gnomAD no frequency). This variant has not been reported in the literature in individuals affected with RAF1-related conditions. Advanced modeling of protein sequence and biophysical properties (such as structural, functional, and spatial information, amino acid conservation, physicochemical variation, residue mobility, and thermodynamic stability) performed at Invitae indicates that this missense variant is expected to disrupt RAF1 protein function. In summary, the available evidence is currently insufficient to determine the role of this variant in disease. Therefore, it has been classified as a Variant of Uncertain Significance.